The following is an entry in ClinVar:

NM_130839.5(UBE3A):c.2344_2345del (p.Val782fs)

Genes: SNHG14 (small nucleolar RNA host gene 14; plus strand), UBE3A (ubiquitin protein ligase E3A; minus strand). Cytogenetic location: 15q11.2.
Variant type: Deletion.
Coding change: c.2344_2345del on transcript NM_130839.5 (MANE Select); coding-DNA positions 2344 to 2345, 2 bases deleted (GT; older notation c.2344_2345delGT).
Protein change: p.Val782fs; shifts the reading frame from valine 782.
Molecular consequence: frameshift variant. On other transcripts: non-coding transcript variant (1).
Genome position (GRCh38, 1-based): chr15:25,354,362-25,354,363, AC deleted on the plus strand (GT on the coding strand, the reverse complement: UBE3A is on the minus strand); deleting any 2 consecutive bases within chr15:25,354,362-25,354,364 gives the same sequence; the c. name uses the placement nearest the transcript's 3' end. VCF-style (leftmost placement, unchanged base first): chr15-25354361-AAC-A. GRCh37 (hg19) VCF-style: chr15-25599508-AAC-A.
Other names: c.2353_2354del, p.Val785fs (NM_000462.5); c.2344_2345del, p.Val782fs (NM_001354505.1, NM_001354538.2); c.2284_2285del, p.Val762fs (NM_001354506.2, NM_001354507.2, NM_001354508.2 and 14 more transcripts); c.2188_2189del, p.Val730fs (NM_001354545.2); c.2167_2168del, p.Val723fs (NM_001354546.2); c.2128_2129del, p.Val710fs (NM_001354547.2, NM_001354548.2); c.2119_2120del, p.Val707fs (NM_001354549.2); c.1093_1094del, p.Val365fs (NM_001354550.2); and 1 more; short protein forms V345fs, V710fs, V762fs, V365fs, V707fs, V785fs, V723fs, V782fs.
Identifiers: ClinVar variation 934588 (VCV000934588.7), dbSNP rs2076939980, ClinGen allele CA1139663789.

ClinVar aggregate classification (germline): Pathogenic (1 of 4 stars; one submission).

Conditions:
Angelman syndrome (AS). Also called: HAPPY PUPPET SYNDROME. Identifiers: Orphanet 72, MedGen C0162635, MONDO:0007113, OMIM 105830. Disease mechanism: loss of function. Inheritance: AS is caused by disruption of maternally imprinted UBE3A located within the 15q11.2-q13 Angelman syndrome/Prader-Willi syndrome (AS/PWS) region., imprinting disorder.

Submission:

Labcorp Genetics (formerly Invitae), Labcorp
Classification: Pathogenic for Angelman syndrome. Last evaluated: 2019-08-29. Review status: criteria provided, single submitter. Criteria: Invitae Variant Classification Sherloc (09022015). Collection method: clinical testing. Allele origin: germline.
Comment: Loss-of-function variants in UBE3A are known to be pathogenic (PMID: 25212744). This sequence change creates a premature translational stop signal (p.Val762Serfs*3) in the UBE3A gene. It is expected to result in an absent or disrupted protein product. This variant is not present in population databases (ExAC no frequency). This variant has not been reported in the literature in individuals with UBE3A-related conditions. For these reasons, this variant has been classified as Pathogenic.

Literature cited by the submitters: PubMed 25212744.